The following is an entry in ClinVar:

ClinVar aggregate classification (germline): Uncertain significance (1 of 4 stars; one submission).

Conditions:
Inborn genetic diseases. Identifiers: MedGen C0950123, MeSH D030342.

gnomAD v4.1: 2 of 1,611,460 alleles (0.00012%); highest among the groups gnomAD compares: Non-Finnish European, 0.00017%; no homozygotes.

Submission:

Ambry Genetics
Classification: Uncertain significance for Inborn genetic diseases. Last evaluated: 2026-03-27. Review status: criteria provided, single submitter. Criteria: Ambry Variant Classification Scheme 2023. Collection method: clinical testing. Allele origin: germline.
Comment: The p.Y150C variant (also known as c.449A>G), located in coding exon 3 of the MECOM gene, results from an A to G substitution at nucleotide position 449. The tyrosine at codon 150 is replaced by cysteine, an amino acid with highly dissimilar properties. This amino acid position is conserved. In addition, the in silico prediction for this alteration is inconclusive. Based on the available evidence, the clinical significance of this variant remains unclear.

NM_004991.4(MECOM):c.449A>G (p.Tyr150Cys)

Gene: MECOM (MDS1 and EVI1 complex locus; minus strand). Cytogenetic location: 3q26.2.
Variant type: single nucleotide variant.
Coding change: c.449A>G on transcript NM_004991.4 (MANE Select); coding-DNA position 449, A replaced by G.
Protein change: p.Tyr150Cys; replaces tyrosine 150 with cysteine.
Molecular consequence: missense variant. On other transcripts: 5 prime UTR variant (12).
Genome position (GRCh38, 1-based): chr3:169,143,759, T>C on the plus strand (A>G on the coding strand, the complement: MECOM is on the minus strand). VCF-style: chr3-169143759-T-C. GRCh37 (hg19) VCF-style: chr3-168861547-T-C.
Other names: c.-116A>G (NM_001366471.2, NM_001366472.2, NM_001366474.2 and 9 more transcripts); c.449A>G, p.Tyr150Cys (NM_001366473.2, NM_001366466.2); c.77A>G, p.Tyr26Cys (NM_001105077.4); short protein forms Y150C, Y26C.
Identifiers: ClinVar variation 4859709 (VCV004859709.1).